The following is an entry in ClinVar:

NM_033395.2(CEP295):c.6438A>C (p.Gln2146His)

Gene: CEP295 (centrosomal protein 295; plus strand). Cytogenetic location: 11q21.
Variant type: single nucleotide variant.
Coding change: c.6438A>C on transcript NM_033395.2 (MANE Select); coding-DNA position 6438, A replaced by C.
Protein change: p.Gln2146His; replaces glutamine 2146 with histidine.
Molecular consequence: missense variant.
Genome position (GRCh38, 1-based): chr11:93,725,770, A>C. VCF-style: chr11-93725770-A-C. GRCh37 (hg19) VCF-style: chr11-93458936-A-C.
Other names: short protein forms Q2146H.
Identifiers: ClinVar variation 4652414 (VCV004652414.5).
Genomic context (GRCh38, chr11:93,725,770, plus strand): 5'-TTTCACAGCACTGAGGAGGACCAGCATGCATTCTTCTCTTAACACAAGTCCGAATCAACA[A>C]CCTGACACTAACTTGGCTCATGTTGGAGCTCACAGTTTTGCTACAGAAAATATTATTGGG-3'
Protein context (NP_203753.1, residues 2136-2156): HSSLNTSPNQ[Gln2146His]PDTNLAHVGA

ClinVar aggregate classification (germline): Uncertain significance. Review status: criteria provided, multiple submitters, no conflicts (2 of 4 stars). 2 submissions from 2 submitters: Uncertain significance (2). Last evaluated 2026-01-01.

gnomAD v4.1: 85 of 1,551,596 alleles (0.0055%); highest among the groups gnomAD compares: Middle Eastern, 0.017%; no homozygotes.

Submissions (2):

CeGaT Center for Human Genetics Tuebingen
Classification: Uncertain significance. Last evaluated: 2026-01-01. Review status: criteria provided, single submitter. Criteria: CeGaT Center For Human Genetics Tuebingen Variant Classification Criteria Version 2. Collection method: clinical testing. Allele origin: germline. Affected: yes. Observed: 1 variant allele.
Comment: CEP295: PM2:Supporting, BP4

Ambry Genetics
Classification: Uncertain significance. Last evaluated: 2025-09-28. Review status: criteria provided, single submitter. Criteria: Ambry Variant Classification Scheme 2023. Collection method: clinical testing. Allele origin: germline.